The following is an entry in ClinVar:

ClinVar aggregate classification (germline): Uncertain significance (1 of 4 stars; one submission).

Conditions:
Deficiency of isobutyryl-CoA dehydrogenase. Also called: ACYL-CoA DEHYDROGENASE FAMILY, MEMBER 8, DEFICIENCY OF; ACAD8 DEFICIENCY; IBD DEFICIENCY. Identifiers: Orphanet 79159, MedGen C1969809, MONDO:0012648, OMIM 611283.

Submission:

Labcorp Genetics (formerly Invitae), Labcorp
Classification: Uncertain significance for Deficiency of isobutyryl-CoA dehydrogenase. Last evaluated: 2022-01-08. Review status: criteria provided, single submitter. Criteria: Invitae Variant Classification Sherloc (09022015). Collection method: clinical testing. Allele origin: germline.
Comment: This variant is not present in population databases (gnomAD no frequency). This sequence change replaces serine, which is neutral and polar, with arginine, which is basic and polar, at codon 124 of the ACAD8 protein (p.Ser124Arg). This variant has not been reported in the literature in individuals affected with ACAD8-related conditions. Advanced modeling of protein sequence and biophysical properties (such as structural, functional, and spatial information, amino acid conservation, physicochemical variation, residue mobility, and thermodynamic stability) performed at Invitae indicates that this missense variant is expected to disrupt ACAD8 protein function. In summary, the available evidence is currently insufficient to determine the role of this variant in disease. Therefore, it has been classified as a Variant of Uncertain Significance.

NM_014384.3(ACAD8):c.372C>G (p.Ser124Arg)

Gene: ACAD8 (acyl-CoA dehydrogenase family member 8; plus strand). Cytogenetic location: 11q25.
Variant type: single nucleotide variant.
Coding change: c.372C>G on transcript NM_014384.3 (MANE Select); coding-DNA position 372, C replaced by G.
Protein change: p.Ser124Arg; replaces serine 124 with arginine.
Molecular consequence: missense variant.
Genome position (GRCh38, 1-based): chr11:134,257,249, C>G. VCF-style: chr11-134257249-C-G. GRCh37 (hg19) VCF-style: chr11-134127143-C-G.
Other names: short protein forms S124R.
Identifiers: ClinVar variation 2078075 (VCV002078075.4), dbSNP rs2497156057, ClinGen allele CA383513718.